The following is an entry in ClinVar:

ClinVar aggregate classification (germline): Uncertain significance. Review status: criteria provided, single submitter (1 of 4 stars). 2 submissions from 2 submitters: Uncertain significance (1). 1 of the submissions does not count toward it. Last evaluated 2022-10-14.

Conditions:
Usher syndrome type 2A. Also called: USHER SYNDROME, TYPE IIA; RETINAL DISEASE IN USHER SYNDROME TYPE IIA, MODIFIER OF. Identifiers: Orphanet 231178, Orphanet 886, MedGen C1848634, MONDO:0010169, OMIM 276901.

Allele frequency attached by ClinVar (database versions not stated): gnomAD exomes below 0.00001 and 0.00002; ExAC 0.00003; gnomAD 0.00008 and 0.00009; ESP Exome Variant Server 0.00023; TOPMed 0.00011.

Submissions (2):

Labcorp Genetics (formerly Invitae), Labcorp
Classification: Uncertain significance. Last evaluated: 2022-10-14. Review status: criteria provided, single submitter. Criteria: Invitae Variant Classification Sherloc (09022015). Collection method: clinical testing. Allele origin: germline.
Comment: This sequence change replaces proline, which is neutral and non-polar, with serine, which is neutral and polar, at codon 433 of the USH2A protein (p.Pro433Ser). This variant is present in population databases (rs139556361, gnomAD 0.03%). This variant has not been reported in the literature in individuals affected with USH2A-related conditions. ClinVar contains an entry for this variant (Variation ID: 1046347). Advanced modeling of protein sequence and biophysical properties (such as structural, functional, and spatial information, amino acid conservation, physicochemical variation, residue mobility, and thermodynamic stability) performed at Invitae indicates that this missense variant is not expected to disrupt USH2A protein function. In summary, the available evidence is currently insufficient to determine the role of this variant in disease. Therefore, it has been classified as a Variant of Uncertain Significance.

Natera, Inc.
Classification: Uncertain significance for Usher syndrome type 2A. Last evaluated: 2020-03-04. Review status: no assertion criteria provided. Collection method: clinical testing. Allele origin: germline. Not counted in ClinVar's aggregate classification.

NM_206933.4(USH2A):c.1297C>T (p.Pro433Ser)

Gene: USH2A (usherin; minus strand). Cytogenetic location: 1q41.
Variant type: single nucleotide variant.
Coding change: c.1297C>T on transcript NM_206933.4 (MANE Select); coding-DNA position 1297, C replaced by T.
Protein change: p.Pro433Ser; replaces proline 433 with serine.
Molecular consequence: missense variant.
Genome position (GRCh38, 1-based): chr1:216,324,199, G>A on the plus strand (C>T on the coding strand, the complement: USH2A is on the minus strand). VCF-style: chr1-216324199-G-A. GRCh37 (hg19) VCF-style: chr1-216497541-G-A.
Other names: c.1297C>T, p.Pro433Ser (NM_007123.6); short protein forms P433S.
Identifiers: ClinVar variation 1046347 (VCV001046347.7), dbSNP rs139556361, ClinGen allele CA1396556.